The following is an entry in ClinVar:

ClinVar aggregate classification (germline): Uncertain significance (1 of 4 stars; one submission).

Conditions:
Deficiency of hyaluronoglucosaminidase (MPS9). Also called: Mucopolysaccharidosis type 9; HYALURONIDASE DEFICIENCY; MPS IX. Identifiers: Orphanet 67041, MedGen C1291490, MONDO:0011093, OMIM 601492.

Allele frequency attached by ClinVar (database versions not stated): gnomAD exomes 0.00001.
gnomAD v4.1: 4 of 1,614,244 alleles (0.00025%); highest among the groups gnomAD compares: Admixed American, 0.005%; no homozygotes.

Submission:

Labcorp Genetics (formerly Invitae), Labcorp
Classification: Uncertain significance for Deficiency of hyaluronoglucosaminidase. Last evaluated: 2022-08-03. Review status: criteria provided, single submitter. Criteria: Invitae Variant Classification Sherloc (09022015). Collection method: clinical testing. Allele origin: germline.
Comment: This sequence change creates a premature translational stop signal (p.Gln411*) in the HYAL1 gene. While this is not anticipated to result in nonsense mediated decay, it is expected to disrupt the last 25 amino acid(s) of the HYAL1 protein. This variant is present in population databases (no rsID available, gnomAD 0.006%). This variant has not been reported in the literature in individuals affected with HYAL1-related conditions. Experimental studies and prediction algorithms are not available or were not evaluated, and the functional significance of this variant is currently unknown. In summary, the available evidence is currently insufficient to determine the role of this variant in disease. Therefore, it has been classified as a Variant of Uncertain Significance.

NM_033159.4(HYAL1):c.1231C>T (p.Gln411Ter)

Gene: HYAL1 (hyaluronidase 1; minus strand). Cytogenetic location: 3p21.31.
Variant type: single nucleotide variant.
Coding change: c.1231C>T on transcript NM_033159.4 (MANE Select); coding-DNA position 1231, C replaced by T.
Protein change: p.Gln411Ter; replaces glutamine 411 with a stop codon.
Molecular consequence: nonsense. On other transcripts: non-coding transcript variant (1).
Genome position (GRCh38, 1-based): chr3:50,300,560, G>A on the plus strand (C>T on the coding strand, the complement: HYAL1 is on the minus strand). VCF-style: chr3-50300560-G-A. GRCh37 (hg19) VCF-style: chr3-50337991-G-A.
Other names: c.1231C>T, p.Gln411Ter (NM_007312.3, NM_153281.2); c.1141C>T, p.Gln381Ter (NM_153282.3); c.685C>T, p.Gln229Ter (NM_153283.3); c.454C>T, p.Gln152Ter (NM_153285.3); short protein forms Q229*, Q152*, Q411*, Q381*.
Identifiers: ClinVar variation 1941096 (VCV001941096.5), dbSNP rs1553712416, ClinGen allele CA352888522.
Genomic context (GRCh38, chr3:50,300,560, plus strand): 5'-GCTCACACCACGGTGCCTGCCAGCCAGGGTAGCATCGACATTTGAACTCCACAGCCATCT[G>A]TGCCTGATCTTCAAGTGAGAGGGCACCCCGCAGGCTCAGGGGCCCACCACCAGGCGTGAG-3'